The following is an entry in ClinVar:

ClinVar aggregate classification (germline): Likely benign. Review status: criteria provided, multiple submitters, no conflicts (2 of 4 stars). 3 submissions from 3 submitters: Likely benign (2). 1 of the submissions does not count toward it. Last evaluated 2026-01-12.

Conditions:
SETBP1-related disorder. Also called: SETBP1-related condition; SETBP1-related disorders.

Allele frequency attached by ClinVar (database versions not stated): gnomAD exomes 0.00010 and 0.00012; ExAC 0.00013; ESP Exome Variant Server 0.00015; 1000 Genomes Project 0.00020; 1000 Genomes Project 30x 0.00031.
gnomAD v4.1: 164 of 1,614,034 alleles (0.01%); highest among the groups gnomAD compares: South Asian, 0.049%; no homozygotes.

Submissions (3):

Labcorp Genetics (formerly Invitae), Labcorp
Classification: Likely benign. Last evaluated: 2026-01-12. Review status: criteria provided, single submitter. Criteria: Invitae Variant Classification Sherloc (09022015). Collection method: clinical testing. Allele origin: germline.

Blueprint Genetics
Classification: Likely benign. Last evaluated: 2024-09-09. Review status: criteria provided, single submitter. Criteria: ACMG Guidelines, 2015. Collection method: clinical testing. Allele origin: germline.

PreventionGenetics, part of Exact Sciences
Classification: Likely benign for SETBP1-related condition. Last evaluated: 2019-08-14. Review status: no assertion criteria provided. Collection method: clinical testing. Allele origin: germline. Not counted in ClinVar's aggregate classification.
Comment: This variant is classified as likely benign based on ACMG/AMP sequence variant interpretation guidelines (Richards et al. 2015 PMID: 25741868, with internal and published modifications).

NM_015559.3(SETBP1):c.3009G>A (p.Pro1003=)

Gene: SETBP1 (SET binding protein 1; plus strand). Cytogenetic location: 18q12.3.
Variant type: single nucleotide variant.
Coding change: c.3009G>A on transcript NM_015559.3 (MANE Select); coding-DNA position 3009, G replaced by A.
Protein change: p.Pro1003=; no amino-acid change (proline 1003 retained).
Molecular consequence: synonymous variant.
Genome position (GRCh38, 1-based): chr18:44,952,349, G>A. VCF-style: chr18-44952349-G-A. GRCh37 (hg19) VCF-style: chr18-42532314-G-A.
Other names: c.3009G>A (NM_015559.2); c.3009G>A, p.Pro1003= (NM_001379141.1, NM_001379142.1).
Identifiers: ClinVar variation 1630213 (VCV001630213.11), dbSNP rs142295785, ClinGen allele CA8945839.